The following is an entry in ClinVar:

ClinVar aggregate classification (germline): Uncertain significance (1 of 4 stars; one submission).

gnomAD v4.1: 6 of 915,742 alleles (0.00066%); highest among the groups gnomAD compares: Non-Finnish European, 0.00093%; no homozygotes.

Submission:

Labcorp Genetics (formerly Invitae), Labcorp
Classification: Uncertain significance. Last evaluated: 2026-01-12. Review status: criteria provided, single submitter. Criteria: Invitae Variant Classification Sherloc (09022015). Collection method: clinical testing. Allele origin: germline.
Comment: This sequence change replaces arginine, which is basic and polar, with tryptophan, which is neutral and slightly polar, at codon 218 of the ALPK3 protein (p.Arg218Trp). This variant is not present in population databases (gnomAD no frequency). This variant has not been reported in the literature in individuals affected with ALPK3-related conditions. An algorithm developed to predict the effect of missense changes on protein structure and function (PolyPhen-2) suggests that this variant is likely to be disruptive. In summary, the available evidence is currently insufficient to determine the role of this variant in disease. Therefore, it has been classified as a Variant of Uncertain Significance.

NM_020778.5(ALPK3):c.46C>T (p.Arg16Trp)

Gene: ALPK3 (alpha kinase 3; plus strand). Cytogenetic location: 15q25.3.
Variant type: single nucleotide variant.
Coding change: c.46C>T on transcript NM_020778.5 (MANE Select); coding-DNA position 46, C replaced by T.
Protein change: p.Arg16Trp; replaces arginine 16 with tryptophan.
Molecular consequence: missense variant.
Genome position (GRCh38, 1-based): chr15:84,817,498, C>T. VCF-style: chr15-84817498-C-T. GRCh37 (hg19) VCF-style: chr15-85360729-C-T.
Other names: short protein forms R16W.
Identifiers: ClinVar variation 4734662 (VCV004734662.1).